The following is an entry in ClinVar:

ClinVar aggregate classification (germline): Uncertain significance (1 of 4 stars; one submission).

Conditions:
Lopes-Maciel-Rodan syndrome (LOMARS). Identifiers: MedGen C4479491, MONDO:0054573, OMIM 617435.

Submission:

Baylor Genetics
Classification: Uncertain significance for Lopes-Maciel-Rodan syndrome. Last evaluated: 2018-03-02. Review status: criteria provided, single submitter. Criteria: ACMG Guidelines, 2015. Collection method: clinical testing. Allele origin: de novo. Affected: yes.
Comment: This variant was determined to be of uncertain significance according to ACMG Guidelines, 2015 [PMID:25741868].

NM_001388492.1(HTT):c.2396-9T>G

Gene: HTT (huntingtin; plus strand). Cytogenetic location: 4p16.3.
Variant type: single nucleotide variant.
Coding change: c.2396-9T>G on transcript NM_001388492.1 (MANE Select); 9 bases into the intron before coding-DNA position 2396, T replaced by G.
Molecular consequence: intron variant.
Genome position (GRCh38, 1-based): chr4:3,132,805, T>G. VCF-style: chr4-3132805-T-G. GRCh37 (hg19) VCF-style: chr4-3134532-T-G.
Other names: c.2396-9T>G (NM_002111.8).
Identifiers: ClinVar variation 1033480 (VCV001033480.1), dbSNP rs1715887741, ClinGen allele CA1434071633.
Genomic context (GRCh38, chr4:3,132,805, plus strand): 5'-TTTTTTCTAGTTATGCTTACTAAGGTTTAAGTTTAGATGATGATGTTTGTTGCTTGTTCT[T>G]CTGGTTAGGAAATACATTTTCTTTGGCGGATTGCATTCCTTTGCTGCGGAAAACACTGAA-3'